The following is an entry in ClinVar:

NM_052844.4(DYNC2I2):c.347_348delinsTT (p.Glu116Val)

Gene: DYNC2I2 (dynein 2 intermediate chain 2; minus strand). Cytogenetic location: 9q34.11.
Variant type: Indel.
Coding change: c.347_348delinsTT on transcript NM_052844.4 (MANE Select); coding-DNA positions 347 to 348, AG replaced by TT.
Protein change: p.Glu116Val; replaces glutamic acid 116 with valine.
Molecular consequence: missense variant.
Genome position (GRCh38, 1-based): chr9:128,640,778-128,640,779, CT replaced by AA on the plus strand (AG replaced by TT on the coding strand, the reverse complement: DYNC2I2 is on the minus strand). VCF-style: chr9-128640778-CT-AA. GRCh37 (hg19) VCF-style: chr9-131403057-CT-AA.
Other names: short protein forms E116V.
Identifiers: ClinVar variation 2086046 (VCV002086046.3), dbSNP rs2542445887, ClinGen allele CA2580079744.
Genomic context (GRCh38, chr9:128,640,778, plus strand): 5'-CTCGAAGCCATCAAACGCGTGGCTCTGCCAATTCTTGTTCAGCTCTCGGATGACCATGGC[CT>AA]CCACTCTCCGAAGAAAGGCTGCGAGCCTGGGTATGTCATACTGGGACGGGGGCTGCACGC-3'
Protein context (NP_443076.2, residues 106-126): PRLAAFLRRV[Glu116Val]AMVIRELNKN

ClinVar aggregate classification (germline): Uncertain significance (1 of 4 stars; one submission).

Conditions:
Short-rib thoracic dysplasia 11 with or without polydactyly (SRTD11). Also called: SHORT-RIB THORACIC DYSPLASIA 11 WITHOUT POLYDACTYLY. Identifiers: Orphanet 474, Orphanet 93271, MedGen C3810200, MONDO:0014287, OMIM 615633.

Submission:

Labcorp Genetics (formerly Invitae), Labcorp
Classification: Uncertain significance for Short-rib thoracic dysplasia 11 with or without polydactyly. Last evaluated: 2022-08-23. Review status: criteria provided, single submitter. Criteria: Invitae Variant Classification Sherloc (09022015). Collection method: clinical testing. Allele origin: germline.
Comment: Algorithms developed to predict the effect of missense changes on protein structure and function are either unavailable or do not agree on the potential impact of this missense change (SIFT: "Not Available"; PolyPhen-2: "Benign"; Align-GVGD: "Not Available"). In summary, the available evidence is currently insufficient to determine the role of this variant in disease. Therefore, it has been classified as a Variant of Uncertain Significance. This variant has not been reported in the literature in individuals affected with WDR34-related conditions. This variant is present in population databases (no rsID available, gnomAD 0.07%). This sequence change replaces glutamic acid, which is acidic and polar, with valine, which is neutral and non-polar, at codon 116 of the WDR34 protein (p.Glu116Val).